The following continues an entry in ClinVar:

NM_000535.7(PMS2):c.319C>T (p.Arg107Trp)

Gene: PMS2. ClinVar aggregate classification (germline): Pathogenic/Likely pathogenic. Pathogenic (1); Likely pathogenic (10).

Submissions 6 to 11 of 11:

Quest Diagnostics Nichols Institute San Juan Capistrano
Classification: Likely pathogenic. Last evaluated: 2024-12-30. Review status: criteria provided, single submitter. Criteria: Quest Diagnostics criteria. Collection method: clinical testing. Allele origin: unknown.
Comment: The PMS2 c.319C>T (p.Arg107Trp) variant has been reported in the published literature in individuals and families affected with a Lynch syndrome-associated cancer (PMIDs: 25512458 (2015), 27742654 (2017), 30702970 (2019), 31391288 (2020), 37509324 (2023)) and in the compound heterozygous state in multiple individuals affected with CMMRD (PMIDs: 27435373 (2016), 34964038 (2021)). Functional assays have shown this variant causes aberrant splicing and deficient mismatch repair activity (PMIDs: 26247049 (2015), 27435373 (2016)). The frequency of this variant in the general population (Genome Aggregation Database) is uninformative in the assessment of its pathogenicity. Analysis of this variant using bioinformatics tools for the prediction of the effect of amino acid changes on protein structure and function yielded predictions that this variant is damaging. Based on the available information, this variant is classified as likely pathogenic.

Department of Pathology and Laboratory Medicine, Sinai Health System
Classification: Likely pathogenic for Lynch syndrome 4; Mismatch repair cancer syndrome 4. Last evaluated: 2024-12-12. Review status: criteria provided, single submitter. Criteria: ACMG Guidelines, 2015. Collection method: clinical testing. Allele origin: germline.

All of Us Research Program, National Institutes of Health
Classification: Likely pathogenic for Lynch syndrome. Last evaluated: 2024-08-13. Review status: criteria provided, single submitter. Criteria: ACMG Guidelines, 2015. Collection method: clinical testing. Allele origin: germline. Inheritance: Autosomal dominant inheritance. Observed: 1 variant allele, 1 heterozygote.
Comment: This missense variant replaces arginine with tryptophan at codon 107 of the PMS2 protein. Computational prediction suggests that this variant may have deleterious impact on protein structure and function (internally defined REVEL score threshold >= 0.7, PMID: 27666373). Functional studies have shown that this variant causes a significant decrease in mismatch repair activity, with less than 20% of wild type protein activity (PMID: 27435373). This variant has been reported in individuals with Lynch syndrome-associated cancers (PMID: 27435373; ClinVar SCV000187425.8). This variant has also been observed in trans with a PMS2 exon 10 deletion in an individual affected with autosomal recessive constitutional mismatch repair deficiency (PMID: 27435373), indicating that this variant contributes to disease. This variant has been identified in 3/236786 chromosomes in the general population by the Genome Aggregation Database (gnomAD). Based on the available evidence, this variant is classified as Likely Pathogenic.

This study involves interpretation of variants in research participants for the purpose of population health screening. Participant phenotype was not available at the time of variant classification. Additional details can be found in publication PMID: 35346344, PMCID: PMC8962531

Baylor Genetics
Classification: Likely pathogenic for Lynch syndrome 4. Last evaluated: 2024-03-10. Review status: criteria provided, single submitter. Criteria: ACMG Guidelines, 2015. Collection method: clinical testing. Allele origin: unknown.

Color Diagnostics, LLC DBA Color Health
Classification: Likely pathogenic for Hereditary cancer-predisposing syndrome. Last evaluated: 2024-02-21. Review status: criteria provided, single submitter. Criteria: ACMG Guidelines, 2015. Collection method: clinical testing. Allele origin: germline.
Comment: This missense variant replaces arginine with tryptophan at codon 107 of the PMS2 protein. Computational prediction suggests that this variant may have deleterious impact on protein structure and function (internally defined REVEL score threshold >= 0.7, PMID: 27666373). Functional studies have shown that this variant causes a significant decrease in mismatch repair activity, with less than 20% of wild type protein activity (PMID: 27435373). This variant has been reported in individuals with Lynch syndrome-associated cancers, and some of these individuals had tumor data showing microsatellite instability or mismatch repair deficiency (PMID: 27435373; ClinVar SCV000187425.8; communication with an external laboratory). This variant has also been observed in trans with a PMS2 exon 10 deletion in an individual affected with autosomal recessive constitutional mismatch repair deficiency (PMID: 27435373), indicating that this variant contributes to disease. This variant has been identified in 3/236786 chromosomes in the general population by the Genome Aggregation Database (gnomAD). Based on the available evidence, this variant is classified as Likely Pathogenic.

GeneDx
Classification: Likely pathogenic. Last evaluated: 2023-09-12. Review status: criteria provided, single submitter. Criteria: GeneDx Variant Classification Process June 2021. Collection method: clinical testing. Allele origin: germline. Affected: yes.
Comment: In silico analysis supports that this missense variant has a deleterious effect on protein structure/function; In silico analysis is inconclusive as to whether the variant alters gene splicing. In the absence of RNA/functional studies, the actual effect of this sequence change is unknown.; This variant is associated with the following publications: (PMID: 27742654, 26110232, 25512458, 26247049, 27435373, 11574484, 30702970, 29445031, 31783044, 36690767, 32571878)

Literature cited by the submitters: PubMed 25512458 (cited by 4 submitters); PubMed 26247049 (cited by 4 submitters); PubMed 27435373 (cited by 7 submitters); PubMed 27742654 (cited by 3 submitters); PubMed 37509324 (cited by Ambry Genetics and Quest Diagnostics Nichols Institute San Juan Capistrano); PubMed 26110232 (cited by 4 submitters); PubMed 30702970 (cited by 4 submitters); PubMed 29445031 (cited by Women's Health and Genetics/Laboratory Corporation of America, LabCorp and Quest Diagnostics Nichols Institute San Juan Capistrano); PubMed 32849802 (cited by Quest Diagnostics Nichols Institute San Juan Capistrano); PubMed 32571878 (cited by Quest Diagnostics Nichols Institute San Juan Capistrano); PubMed 31391288 (cited by Quest Diagnostics Nichols Institute San Juan Capistrano); PubMed 34964038 (cited by Quest Diagnostics Nichols Institute San Juan Capistrano).